The following is an entry in ClinVar:

ClinVar aggregate classification (germline): Likely benign (0 of 4 stars; one submission).

Conditions:
FANCG-related disorder. Also called: FANCG-related condition.

Allele frequency attached by ClinVar (database versions not stated): TOPMed below 0.00001; gnomAD exomes 0.00001; ExAC 0.00002.
gnomAD v4.1: 18 of 1,611,034 alleles (0.0011%); highest among the groups gnomAD compares: East Asian, 0.0045%; no homozygotes.

Submission:

PreventionGenetics, part of Exact Sciences
Classification: Likely benign for FANCG-related condition. Last evaluated: 2023-04-27. Review status: no assertion criteria provided. Collection method: clinical testing. Allele origin: germline.
Comment: This variant is classified as likely benign based on ACMG/AMP sequence variant interpretation guidelines (Richards et al. 2015 PMID: 25741868, with internal and published modifications).

NM_004629.2(FANCG):c.*7C>T

Gene: FANCG (FA complementation group G; minus strand). Cytogenetic location: 9p13.3.
Variant type: single nucleotide variant.
Coding change: c.*7C>T on transcript NM_004629.2 (MANE Select); 7 bases downstream of the stop codon, C replaced by T.
Molecular consequence: 3 prime UTR variant.
Genome position (GRCh38, 1-based): chr9:35,074,101, G>A on the plus strand (C>T on the coding strand, the complement: FANCG is on the minus strand). VCF-style: chr9-35074101-G-A. GRCh37 (hg19) VCF-style: chr9-35074098-G-A.
Identifiers: ClinVar variation 3051727 (VCV003051727.2), dbSNP rs770455405, ClinGen allele CA5039598.